The following is an entry in ClinVar:

NM_003793.4(CTSF):c.1334C>T (p.Pro445Leu)

Gene: CTSF (cathepsin F; minus strand). Cytogenetic location: 11q13.2.
Variant type: single nucleotide variant.
Coding change: c.1334C>T on transcript NM_003793.4 (MANE Select); coding-DNA position 1334, C replaced by T.
Protein change: p.Pro445Leu; replaces proline 445 with leucine.
Molecular consequence: missense variant.
Genome position (GRCh38, 1-based): chr11:66,564,134, G>A on the plus strand (C>T on the coding strand, the complement: CTSF is on the minus strand). VCF-style: chr11-66564134-G-A. GRCh37 (hg19) VCF-style: chr11-66331605-G-A.
Other names: short protein forms P445L.
Identifiers: ClinVar variation 3774809 (VCV003774809.1).

ClinVar aggregate classification (germline): Uncertain significance (1 of 4 stars; one submission).

Submission:

GeneDx
Classification: Uncertain significance. Last evaluated: 2024-09-28. Review status: criteria provided, single submitter. Criteria: GeneDx Variant Classification Process June 2021. Collection method: clinical testing. Allele origin: germline. Affected: yes.
Comment: In silico analysis supports that this missense variant has a deleterious effect on protein structure/function; Has not been previously published as pathogenic or benign to our knowledge